The following is an entry in ClinVar:

NM_015404.4(WHRN):c.171G>A (p.Gln57=)

Gene: WHRN (whirlin; minus strand). Cytogenetic location: 9q32.
Variant type: single nucleotide variant.
Coding change: c.171G>A on transcript NM_015404.4 (MANE Select); coding-DNA position 171, G replaced by A.
Protein change: p.Gln57=; no amino-acid change (glutamine 57 retained).
Molecular consequence: synonymous variant.
Genome position (GRCh38, 1-based): chr9:114,504,631, C>T on the plus strand (G>A on the coding strand, the complement: WHRN is on the minus strand). VCF-style: chr9-114504631-C-T. GRCh37 (hg19) VCF-style: chr9-117266911-C-T.
Other names: c.171G>A, p.Gln57= (NM_001173425.2).
Identifiers: ClinVar variation 515617 (VCV000515617.9), dbSNP rs578204125, ClinGen allele CA5206350.

ClinVar aggregate classification (germline): Likely benign. Review status: criteria provided, multiple submitters, no conflicts (2 of 4 stars). 2 submissions from 2 submitters: Likely benign (2). Last evaluated 2024-02-24.

Allele frequency attached by ClinVar (database versions not stated): gnomAD exomes below 0.00001; ExAC 0.00001; gnomAD 0.00001; 1000 Genomes Project 30x 0.00016; 1000 Genomes Project 0.00020.

Submissions (2):

Labcorp Genetics (formerly Invitae), Labcorp
Classification: Likely benign. Last evaluated: 2024-02-24. Review status: criteria provided, single submitter. Criteria: Invitae Variant Classification Sherloc (09022015). Collection method: clinical testing. Allele origin: germline.

GeneDx
Classification: Likely benign. Last evaluated: 2018-02-21. Review status: criteria provided, single submitter. Criteria: GeneDx Variant Classification (06012015). Collection method: clinical testing. Allele origin: germline. Affected: yes.
Comment: This variant is considered likely benign or benign based on one or more of the following criteria: it is a conservative change, it occurs at a poorly conserved position in the protein, it is predicted to be benign by multiple in silico algorithms, and/or has population frequency not consistent with disease.